The following is an entry in ClinVar:

ClinVar aggregate classification (germline): Uncertain significance (1 of 4 stars; one submission).

Conditions:
Hypertrophic cardiomyopathy 26. Also called: Cardiomyopathy, familial hypertrophic, 26. Identifiers: Orphanet 75249, MedGen C4310749, MONDO:0014883, OMIM 617047.
Myofibrillar myopathy 5. Also called: Filaminopathy (type); FILAMINOPATHY, AUTOSOMAL DOMINANT. Identifiers: Orphanet 171445, MedGen C1836050, MONDO:0012289, OMIM 609524.
Distal myopathy with posterior leg and anterior hand involvement. Also called: WILLIAMS DISTAL MYOPATHY. Identifiers: Orphanet 63273, MedGen C3279722, MONDO:0013550, OMIM 614065.

gnomAD v4.1: 4 of 1,614,034 alleles (0.00025%); highest among the groups gnomAD compares: Non-Finnish European, 0.00017%; no homozygotes.

Submission:

Labcorp Genetics (formerly Invitae), Labcorp
Classification: Uncertain significance for Distal myopathy with posterior leg and anterior hand involvement; Myofibrillar myopathy 5; Hypertrophic cardiomyopathy 26. Last evaluated: 2026-01-11. Review status: criteria provided, single submitter. Criteria: Invitae Variant Classification Sherloc (09022015). Collection method: clinical testing. Allele origin: germline.
Comment: This sequence change falls in intron 33 of the FLNC gene. It does not directly change the encoded amino acid sequence of the FLNC protein. It affects a nucleotide within the consensus splice site. This variant is not present in population databases (gnomAD no frequency). This variant has not been reported in the literature in individuals affected with FLNC-related conditions. Variants that disrupt the consensus splice site are a relatively common cause of aberrant splicing (PMID: 17576681, 9536098). Algorithms developed to predict the effect of sequence changes on RNA splicing suggest that this variant is not likely to affect RNA splicing. In summary, the available evidence is currently insufficient to determine the role of this variant in disease. Therefore, it has been classified as a Variant of Uncertain Significance.

Literature cited by the submitters: PubMed 17576681; PubMed 9536098.

NM_001458.5(FLNC):c.5540-3C>T

Genes: FLNC-AS1 (FLNC antisense RNA 1; minus strand), FLNC (filamin C; plus strand). Cytogenetic location: 7q32.1.
Variant type: single nucleotide variant.
Coding change: c.5540-3C>T on transcript NM_001458.5 (MANE Select); 3 bases into the intron before coding-DNA position 5540, C replaced by T.
Molecular consequence: intron variant.
Genome position (GRCh38, 1-based): chr7:128,851,229, C>T. VCF-style: chr7-128851229-C-T. GRCh37 (hg19) VCF-style: chr7-128491283-C-T.
Other names: c.5441-3C>T (NM_001127487.2).
Identifiers: ClinVar variation 4812716 (VCV004812716.1).